The following is an entry in ClinVar:

ClinVar aggregate classification (germline): Uncertain significance. Review status: criteria provided, multiple submitters, no conflicts (2 of 4 stars). 3 submissions from 3 submitters: Uncertain significance (3). Last evaluated 2024-05-24.

Conditions:
Marfan syndrome (MFS). Also called: MARFAN SYNDROME, TYPE I; FBN1-Related Marfan Syndrome; Marfan syndrome type 1; Marfan's syndrome; Marfan syndrome, classic. Identifiers: Orphanet 284963, Orphanet 558, MedGen C0024796, MONDO:0007947, OMIM 154700.
Familial thoracic aortic aneurysm and aortic dissection (TAAD). Also called: Thoracic aortic aneurysms and dissections. Identifiers: Orphanet 91387, MedGen C4707243, MONDO:0019625.

Submissions (3):

Ambry Genetics
Classification: Uncertain significance for Familial thoracic aortic aneurysm and aortic dissection. Last evaluated: 2024-05-24. Review status: criteria provided, single submitter. Criteria: Ambry Variant Classification Scheme 2023. Collection method: clinical testing. Allele origin: germline.
Comment: The p.F1880V variant (also known as c.5638T>G), located in coding exon 45 of the FBN1 gene, results from a T to G substitution at nucleotide position 5638. The phenylalanine at codon 1880 is replaced by valine, an amino acid with highly similar properties. This amino acid position is highly conserved in available vertebrate species. In addition, this alteration is predicted to be deleterious by in silico analysis. Based on the available evidence, the clinical significance of this variant remains unclear.

Labcorp Genetics (formerly Invitae), Labcorp
Classification: Uncertain significance for Marfan syndrome; Familial thoracic aortic aneurysm and aortic dissection. Last evaluated: 2023-08-03. Review status: criteria provided, single submitter. Criteria: Invitae Variant Classification Sherloc (09022015). Collection method: clinical testing. Allele origin: germline.
Comment: This sequence change replaces phenylalanine, which is neutral and non-polar, with valine, which is neutral and non-polar, at codon 1880 of the FBN1 protein (p.Phe1880Val). This variant is not present in population databases (gnomAD no frequency). This variant has not been reported in the literature in individuals affected with FBN1-related conditions. ClinVar contains an entry for this variant (Variation ID: 495625). Advanced modeling of protein sequence and biophysical properties (such as structural, functional, and spatial information, amino acid conservation, physicochemical variation, residue mobility, and thermodynamic stability) performed at Invitae indicates that this missense variant is expected to disrupt FBN1 protein function. In summary, the available evidence is currently insufficient to determine the role of this variant in disease. Therefore, it has been classified as a Variant of Uncertain Significance.

Women's Health and Genetics/Laboratory Corporation of America, LabCorp
Classification: Uncertain significance. Last evaluated: 2016-02-22. Review status: criteria provided, single submitter. Criteria: LabCorp Variant Classification Summary - May 2015. Collection method: clinical testing. Allele origin: germline.
Comment: Variant summary: The FBN1 c.5638T>G variant affects a conserved nucleotide, resulting in amino acid change from Phe to Val. 4/4 in-silico tools predict a damaging outcome for this variant (SNPs&GO not captured due to low reliability index). This variant was not found in 120110 control chromosomes. The variant of interest has not, to our knowledge, been reported in affected individuals via publications and/or reputable databases/clinical laboratories; nor evaluated for functional impact by in vivo/vitro studies. Because of the absence of clinical information and the lack of functional studies, the variant was classified as a variant of uncertain significance (VUS) until additional information becomes available.

NM_000138.5(FBN1):c.5638T>G (p.Phe1880Val)

Gene: FBN1 (fibrillin 1; minus strand). Cytogenetic location: 15q21.1.
Variant type: single nucleotide variant.
Coding change: c.5638T>G on transcript NM_000138.5 (MANE Select); coding-DNA position 5638, T replaced by G.
Protein change: p.Phe1880Val; replaces phenylalanine 1880 with valine.
Molecular consequence: missense variant.
Genome position (GRCh38, 1-based): chr15:48,448,801, A>C on the plus strand (T>G on the coding strand, the complement: FBN1 is on the minus strand). VCF-style: chr15-48448801-A-C. GRCh37 (hg19) VCF-style: chr15-48740998-A-C.
Other names: short protein forms F1880V.
Identifiers: ClinVar variation 495625 (VCV000495625.5), dbSNP rs1555395977, ClinGen allele CA392341818.